The following is an entry in ClinVar:

NM_005502.4(ABCA1):c.*2409T>C

Genes: ABCA1 (ATP binding cassette subfamily A member 1; minus strand), NIPSNAP3B (nipsnap homolog 3B; plus strand). Cytogenetic location: 9q31.1.
Variant type: single nucleotide variant.
Coding change: c.*2409T>C on transcript NM_005502.4 (MANE Select); 2409 bases downstream of the stop codon, T replaced by C.
Molecular consequence: 3 prime UTR variant.
Genome position (GRCh38, 1-based): chr9:104,781,906, A>G on the plus strand (T>C on the coding strand, the complement: ABCA1 is on the minus strand). VCF-style: chr9-104781906-A-G. GRCh37 (hg19) VCF-style: chr9-107544187-A-G.
Identifiers: ClinVar variation 364334 (VCV000364334.5), dbSNP rs557529420, ClinGen allele CA10631959.
Genomic context (GRCh38, chr9:104,781,906, plus strand): 5'-TTGAGTATAGAGTTGGTAAAAATTTCTACCACAATTAGGTTTACACAGGAAAATGTAAAA[A>G]ATTACTATTTTAAAAGGTAACACAGTATTAATGAAGATGTATAACTATAGATTGTTTCTA-3'

ClinVar aggregate classification (germline): Conflicting classifications of pathogenicity. Review status: criteria provided, conflicting classifications (1 of 4 stars). 2 submissions from 1 submitter: Uncertain significance (1); Benign (1). Last evaluated 2018-01-12.

Conditions:
Hypoalphalipoproteinemia, primary, 1. Identifiers: Orphanet 425, MedGen C5231558, MONDO:0011393, OMIM 604091.
Tangier disease (TGD). Also called: HIGH DENSITY LIPOPROTEIN DEFICIENCY, TANGIER TYPE; HIGH DENSITY LIPOPROTEIN DEFICIENCY, TYPE 1; Cholesterol thesaurismosis. Identifiers: Orphanet 31150, MedGen C0039292, MONDO:0008783, OMIM 205400.

Allele frequency attached by ClinVar (database versions not stated): TOPMed 0.00012; gnomAD 0.00017 and 0.00014; 1000 Genomes Project 30x 0.00031; 1000 Genomes Project 0.00040.
gnomAD v4.1: 26 of 152,338 alleles (0.017%); highest among the groups gnomAD compares: South Asian, 0.17%; 1 homozygote.

Submissions (2):

Illumina Laboratory Services, Illumina
Classification: Uncertain significance for Tangier disease. Last evaluated: 2018-01-12. Review status: criteria provided, single submitter. Criteria: ICSL Variant Classification Criteria 13 December 2019. Collection method: clinical testing. Allele origin: germline.

Illumina Laboratory Services, Illumina
Classification: Benign for Hypoalphalipoproteinemia, primary, 1. Last evaluated: 2018-01-12. Review status: criteria provided, single submitter. Criteria: ICSL Variant Classification Criteria 13 December 2019. Collection method: clinical testing. Allele origin: germline.
Comment: This variant was observed in the ICSL laboratory as part of a predisposition screen in an ostensibly healthy population. It had not been previously curated by ICSL or reported in the Human Gene Mutation Database (HGMD: prior to June 1st, 2018), and was therefore a candidate for classification through an automated scoring system. Utilizing variant allele frequency, disease prevalence and penetrance estimates, and inheritance mode, an automated score was calculated to assess if this variant is too frequent to cause the disease. Based on the score and internal cut-off values, a variant classified as benign is not then subjected to further curation. The score for this variant resulted in a classification of benign for this disease.